The following is an entry in ClinVar:

NM_181741.4(ORC4):c.198C>T (p.Ile66=)

Gene: ORC4 (origin recognition complex subunit 4; minus strand). Cytogenetic location: 2q23.1.
Variant type: single nucleotide variant.
Coding change: c.198C>T on transcript NM_181741.4 (MANE Select); coding-DNA position 198, C replaced by T.
Protein change: p.Ile66=; no amino-acid change (isoleucine 66 retained).
Molecular consequence: synonymous variant. On other transcripts: 5 prime UTR variant (2), intron variant (1).
Genome position (GRCh38, 1-based): chr2:147,972,766, G>A on the plus strand (C>T on the coding strand, the complement: ORC4 is on the minus strand). VCF-style: chr2-147972766-G-A. GRCh37 (hg19) VCF-style: chr2-148730335-G-A.
Other names: c.198C>T, p.Ile66= (NM_001190879.3, NM_001374270.1, NM_002552.5 and 1 more transcripts); c.-25C>T (NM_001190882.3); c.-120C>T (NM_001374272.1); c.-27-13900C>T (NM_001190881.3).
Identifiers: ClinVar variation 2651400 (VCV002651400.24), dbSNP rs1048897403, ClinGen allele CA57595729.

ClinVar aggregate classification (germline): Likely benign (1 of 4 stars; one submission).

Allele frequency attached by ClinVar (database versions not stated): TOPMed 0.00002.

Submission:

CeGaT Center for Human Genetics Tuebingen
Classification: Likely benign. Last evaluated: 2022-12-01. Review status: criteria provided, single submitter. Criteria: CeGaT Center For Human Genetics Tuebingen Variant Classification Criteria Version 2. Collection method: clinical testing. Allele origin: germline. Affected: yes. Observed: 1 variant allele.
Comment: ORC4: BP4, BP7